The following is an entry in ClinVar:

ClinVar aggregate classification (germline): Pathogenic. Review status: criteria provided, multiple submitters, no conflicts (2 of 4 stars). 2 submissions from 2 submitters: Pathogenic (2). Last evaluated 2022-12-05.

Conditions:
Hereditary spastic paraplegia 4. Also called: Spastic Paraplegia 4; Familial spastic paraplegia autosomal dominant 2; Spastic paraplegia 4, autosomal dominant. Identifiers: Orphanet 100985, MedGen C1866855, MONDO:0008438, OMIM 182601.
Congenital afibrinogenemia. Identifiers: Orphanet 335, Orphanet 98880, MedGen C2584774, MONDO:0008737, OMIM 202400.
Familial dysfibrinogenemia. Also called: Dysfibrinogenemia, congenital. Identifiers: Orphanet 335, Orphanet 98881, MedGen C0272350, MONDO:0014452, OMIM 616004.

Allele frequency attached by ClinVar (database versions not stated): gnomAD exomes below 0.00001.
gnomAD v4.1: 2 of 1,613,962 alleles (0.00012%); highest among the groups gnomAD compares: South Asian, 0.0011%; no homozygotes.

Submissions (2):

Laboratory of Medical Genetics, National & Kapodistrian University of Athens
Classification: Pathogenic for Hereditary spastic paraplegia 4. Last evaluated: 2022-12-05. Review status: criteria provided, single submitter. Criteria: ACMG Guidelines, 2015. Collection method: clinical testing. Allele origin: germline. Affected: yes.
Comment: PM1, PM2, PP3, PP5

Juno Genomics, Hangzhou Juno Genomics, Inc
Classification: Pathogenic for Congenital afibrinogenemia; Familial dysfibrinogenemia. Review status: criteria provided, single submitter. Criteria: ACMG Guidelines, 2015. Collection method: clinical testing. Allele origin: germline. Affected: yes.
Comment: Absent from controls (or at extremely low frequency if recessive) in Genome Aggregation Database, Exome Sequencing Project, 1000 Genomes Project, or Exome Aggregation Consortium.;Well-established in vitro or in vivo functional studies supportive of a damaging effect on the gene or gene product.;The prevalence of the variant in affected individuals is significantly increased compared to the prevalence in controls.;Assumed de novo, but without confirmation of paternity and maternity.;Co-segregation with disease in multiple affected family members in a gene definitively known to cause the disease.;Patient's phenotype or family history is highly specific for a disease with a single genetic etiology.

NM_021870.3(FGG):c.1201C>T (p.Arg401Trp)

Gene: FGG (fibrinogen gamma chain; minus strand). Cytogenetic location: 4q32.1.
Variant type: single nucleotide variant.
Coding change: c.1201C>T on transcript NM_021870.3 (MANE Select); coding-DNA position 1201, C replaced by T.
Protein change: p.Arg401Trp; replaces arginine 401 with tryptophan.
Molecular consequence: missense variant.
Genome position (GRCh38, 1-based): chr4:154,604,995, G>A on the plus strand (C>T on the coding strand, the complement: FGG is on the minus strand). VCF-style: chr4-154604995-G-A. GRCh37 (hg19) VCF-style: chr4-155526147-G-A.
Other names: c.1201C>T, p.Arg401Trp (NM_000509.6); short protein forms R401W.
Identifiers: ClinVar variation 2572634 (VCV002572634.3), dbSNP rs75848804, ClinGen allele CA108774405.
Genomic context (GRCh38, chr4:154,604,995, plus strand): 5'-CAATTGTGAGTCTGTTGAATGGGATTATCTTCATAGTGGTTTTCTTCATGGAATACCACC[G>A]GGTTTTCCAAGTGGCCCAAATAATGCCATTATCATAACCATTAGGAGTAGATGCTTTTGA-3'
Protein context (NP_068656.2, residues 391-411): NGIIWATWKT[Arg401Trp]WYSMKKTTMK